The following is an entry in ClinVar:

NM_001367624.2(ZNF469):c.7649C>G (p.Thr2550Ser)

Gene: ZNF469 (zinc finger protein 469; plus strand). Cytogenetic location: 16q24.2.
Variant type: single nucleotide variant.
Coding change: c.7649C>G on transcript NM_001367624.2 (MANE Select); coding-DNA position 7649, C replaced by G.
Protein change: p.Thr2550Ser; replaces threonine 2550 with serine.
Molecular consequence: missense variant.
Genome position (GRCh38, 1-based): chr16:88,435,119, C>G. VCF-style: chr16-88435119-C-G. GRCh37 (hg19) VCF-style: chr16-88501527-C-G.
Other names: short protein forms T2550S.
Identifiers: ClinVar variation 4777594 (VCV004777594.1).
Genomic context (GRCh38, chr16:88,435,119, plus strand): 5'-GCCACAGGGTGTCTGGGAAGGAGAGACCAAATCACTCACGGGGAGACCCCAGCCACGTCA[C>G]CCAGCCACCGCCTGCCCAGGGCTCAAAGGAGGTTCTCAGAGCACCGGGGTCCCCACACAG-3'
Protein context (NP_001354553.1, residues 2540-2560): NHSRGDPSHV[Thr2550Ser]QPPPAQGSKE

ClinVar aggregate classification (germline): Uncertain significance (1 of 4 stars; one submission).

gnomAD v4.1: 1 of 1,550,268 alleles (0.000065%); highest among the groups gnomAD compares: African/African-American, 0.0014%; no homozygotes.

Submission:

Labcorp Genetics (formerly Invitae), Labcorp
Classification: Uncertain significance. Last evaluated: 2025-10-26. Review status: criteria provided, single submitter. Criteria: Invitae Variant Classification Sherloc (09022015). Collection method: clinical testing. Allele origin: germline.
Comment: This sequence change replaces threonine, which is neutral and polar, with serine, which is neutral and polar, at codon 2522 of the ZNF469 protein (p.Thr2522Ser). This variant is not present in population databases (gnomAD no frequency). This variant has not been reported in the literature in individuals affected with ZNF469-related conditions. An algorithm developed to predict the effect of missense changes on protein structure and function outputs the following: PolyPhen-2: "Benign". The serine amino acid residue is found in multiple mammalian species, which suggests that this missense change does not adversely affect protein function. In summary, the available evidence is currently insufficient to determine the role of this variant in disease. Therefore, it has been classified as a Variant of Uncertain Significance.